The following is an entry in ClinVar:

NM_001003722.2(GLE1):c.565G>T (p.Glu189Ter)

Gene: GLE1 (GLE1 RNA export mediator; plus strand). Cytogenetic location: 9q34.11.
Variant type: single nucleotide variant.
Coding change: c.565G>T on transcript NM_001003722.2 (MANE Select); coding-DNA position 565, G replaced by T.
Protein change: p.Glu189Ter; replaces glutamic acid 189 with a stop codon.
Molecular consequence: nonsense.
Genome position (GRCh38, 1-based): chr9:128,522,800, G>T. VCF-style: chr9-128522800-G-T. GRCh37 (hg19) VCF-style: chr9-131285079-G-T.
Other names: c.565G>T, p.Glu189Ter (NM_001411013.1, NM_001499.2); short protein forms E189*.
Identifiers: ClinVar variation 2166616 (VCV002166616.4), dbSNP rs1222209649, ClinGen allele CA375039088.

ClinVar aggregate classification (germline): Pathogenic (1 of 4 stars; one submission).

Allele frequency attached by ClinVar (database versions not stated): gnomAD exomes below 0.00001.
gnomAD v4.1: 1 of 1,613,964 alleles (0.000062%); highest among the groups gnomAD compares: Admixed American, 0.0017%; no homozygotes.

Submission:

Labcorp Genetics (formerly Invitae), Labcorp
Classification: Pathogenic. Last evaluated: 2023-12-06. Review status: criteria provided, single submitter. Criteria: Invitae Variant Classification Sherloc (09022015). Collection method: clinical testing. Allele origin: germline.
Comment: This sequence change creates a premature translational stop signal (p.Glu189*) in the GLE1 gene. It is expected to result in an absent or disrupted protein product. Loss-of-function variants in GLE1 are known to be pathogenic (PMID: 18204449, 24243016, 27684565). This variant is present in population databases (no rsID available, gnomAD no frequency). This variant has not been reported in the literature in individuals affected with GLE1-related conditions. ClinVar contains an entry for this variant (Variation ID: 2166616). Algorithms developed to predict the effect of sequence changes on RNA splicing suggest that this variant may disrupt the consensus splice site. For these reasons, this variant has been classified as Pathogenic.

Literature cited by the submitters: PubMed 18204449; PubMed 24243016; PubMed 27684565.